The following is an entry in ClinVar:

ClinVar aggregate classification (germline): Uncertain significance (1 of 4 stars; one submission).

Conditions:
F5-related disorder. Also called: F5-related condition.

gnomAD v4.1: 23 of 1,613,928 alleles (0.0014%); highest among the groups gnomAD compares: African/African-American, 0.0053%; no homozygotes.

Submission:

PreventionGenetics, part of Exact Sciences
Classification: Uncertain significance for F5-related condition. Last evaluated: 2026-04-20. Review status: criteria provided, single submitter. Criteria: ACMG Guidelines, 2015. Collection method: clinical testing. Allele origin: germline.
Comment: The F5 c.2939G>A variant is predicted to result in the amino acid substitution p.Arg980His. To our knowledge, this variant has not been reported in the literature. This variant is reported in 0.0062% of alleles in individuals of African descent in gnomAD. At this time, the clinical significance of this variant is uncertain due to the absence of conclusive functional and genetic evidence.

NM_000130.5(F5):c.2939G>A (p.Arg980His)

Gene: F5 (coagulation factor V; minus strand). Cytogenetic location: 1q24.2.
Variant type: single nucleotide variant.
Coding change: c.2939G>A on transcript NM_000130.5 (MANE Select); coding-DNA position 2939, G replaced by A.
Protein change: p.Arg980His; replaces arginine 980 with histidine.
Molecular consequence: missense variant.
Genome position (GRCh38, 1-based): chr1:169,542,151, C>T on the plus strand (G>A on the coding strand, the complement: F5 is on the minus strand). VCF-style: chr1-169542151-C-T. GRCh37 (hg19) VCF-style: chr1-169511389-C-T.
Other names: short protein forms R980H.
Identifiers: ClinVar variation 4977688 (VCV004977688.1).